The following is an entry in ClinVar:

ClinVar aggregate classification (germline): Uncertain significance. Review status: criteria provided, multiple submitters, no conflicts (2 of 4 stars). 2 submissions from 2 submitters: Uncertain significance (2). Last evaluated 2026-02-12.

Conditions:
Tumor predisposition syndrome 3 (TPDS3). Also called: Glioma susceptibility 9; LONG TELOMERE SYNDROME, POT1-RELATED; POT1 Tumor Predisposition; Melanoma, cutaneous malignant, susceptibility to, 10. Identifiers: Orphanet 618, MedGen C4014476, MONDO:0014368, OMIM 615848.
Hereditary cancer-predisposing syndrome. Also called: Tumor predisposition; Hereditary Cancer Syndrome; Hereditary neoplastic syndrome; Neoplastic Syndromes, Hereditary. Identifiers: Orphanet 140162, MedGen C0027672, MeSH D009386, MONDO:0015356.

Submissions (2):

Ambry Genetics
Classification: Uncertain significance for Hereditary cancer-predisposing syndrome. Last evaluated: 2026-02-12. Review status: criteria provided, single submitter. Criteria: Ambry Variant Classification Scheme 2023. Collection method: clinical testing. Allele origin: germline.
Comment: The c.1370-3C>G intronic variant results from a C to G substitution 3 nucleotides upstream from coding exon 11 in the POT1 gene. This nucleotide position is poorly conserved in available vertebrate species. In silico splice site analysis predicts that this alteration will weaken the native splice acceptor site. Based on the available evidence, the clinical significance of this variant remains unclear.

Labcorp Genetics (formerly Invitae), Labcorp
Classification: Uncertain significance for Tumor predisposition syndrome 3. Last evaluated: 2022-11-15. Review status: criteria provided, single submitter. Criteria: Invitae Variant Classification Sherloc (09022015). Collection method: clinical testing. Allele origin: germline.
Comment: This variant has not been reported in the literature in individuals affected with POT1-related conditions. This sequence change falls in intron 14 of the POT1 gene. It does not directly change the encoded amino acid sequence of the POT1 protein. It affects a nucleotide within the consensus splice site. This variant is not present in population databases (gnomAD no frequency). ClinVar contains an entry for this variant (Variation ID: 819011). Variants that disrupt the consensus splice site are a relatively common cause of aberrant splicing (PMID: 17576681, 9536098). Algorithms developed to predict the effect of sequence changes on RNA splicing suggest that this variant may disrupt the consensus splice site. In summary, the available evidence is currently insufficient to determine the role of this variant in disease. Therefore, it has been classified as a Variant of Uncertain Significance.

Literature cited by the submitters: PubMed 17576681 (cited by Labcorp Genetics (formerly Invitae), Labcorp); PubMed 9536098 (cited by Labcorp Genetics (formerly Invitae), Labcorp).

NM_015450.3(POT1):c.1370-3C>G

Gene: POT1 (protection of telomeres 1; minus strand). Cytogenetic location: 7q31.33.
Variant type: single nucleotide variant.
Coding change: c.1370-3C>G on transcript NM_015450.3 (MANE Select); 3 bases into the intron before coding-DNA position 1370, C replaced by G.
Molecular consequence: intron variant.
Genome position (GRCh38, 1-based): chr7:124,835,417, G>C on the plus strand (C>G on the coding strand, the complement: POT1 is on the minus strand). VCF-style: chr7-124835417-G-C. GRCh37 (hg19) VCF-style: chr7-124475471-G-C.
Other names: c.977-3C>G (NM_001042594.2).
Identifiers: ClinVar variation 819011 (VCV000819011.10), dbSNP rs1584753403, ClinGen allele CA915945497.